The following is an entry in ClinVar:

NM_015110.4(SMC5):c.977A>G (p.Glu326Gly)

Gene: SMC5 (structural maintenance of chromosomes 5; plus strand). Cytogenetic location: 9q21.12.
Variant type: single nucleotide variant.
Coding change: c.977A>G on transcript NM_015110.4 (MANE Select); coding-DNA position 977, A replaced by G.
Protein change: p.Glu326Gly; replaces glutamic acid 326 with glycine.
Molecular consequence: missense variant.
Genome position (GRCh38, 1-based): chr9:70,282,579, A>G. VCF-style: chr9-70282579-A-G. GRCh37 (hg19) VCF-style: chr9-72897495-A-G.
Other names: short protein forms E326G.
Identifiers: ClinVar variation 3166406 (VCV003166406.2), dbSNP rs141264576, ClinGen allele CA5076833.

ClinVar aggregate classification (germline): Conflicting classifications of pathogenicity. Review status: criteria provided, conflicting classifications (1 of 4 stars). 2 submissions from 2 submitters: Uncertain significance (1); Likely benign (1). Last evaluated 2026-09-01.

Conditions:
Inborn genetic diseases. Identifiers: MedGen C0950123, MeSH D030342.

Allele frequency attached by ClinVar (database versions not stated): ExAC 0.00040; gnomAD 0.00063; TOPMed 0.00063; ESP Exome Variant Server 0.00069.
gnomAD v4.1: 1,695 of 1,561,024 alleles (0.11%); highest among the groups gnomAD compares: Non-Finnish European, 0.13%; 4 homozygotes.

Submissions (2):

CeGaT Center for Human Genetics Tuebingen
Classification: Likely benign. Last evaluated: 2026-09-01. Review status: criteria provided, single submitter. Criteria: CeGaT Center For Human Genetics Tuebingen Variant Classification Criteria Version 2. Collection method: clinical testing. Allele origin: germline. Affected: yes. Observed: 1 variant allele.
Comment: SMC5: BP4, BS1

Ambry Genetics
Classification: Uncertain significance for Inborn genetic diseases. Last evaluated: 2021-09-01. Review status: criteria provided, single submitter. Criteria: Ambry Variant Classification Scheme 2023. Collection method: clinical testing. Allele origin: germline.